The following is an entry in ClinVar:

ClinVar aggregate classification (germline): Uncertain significance (1 of 4 stars; one submission).

gnomAD v4.1: 4 of 1,614,084 alleles (0.00025%); highest among the groups gnomAD compares: Middle Eastern, 0.016%; no homozygotes.

Submission:

Labcorp Genetics (formerly Invitae), Labcorp
Classification: Uncertain significance. Last evaluated: 2021-11-04. Review status: criteria provided, single submitter. Criteria: Invitae Variant Classification Sherloc (09022015). Collection method: clinical testing. Allele origin: germline.
Comment: This sequence change replaces methionine, which is neutral and non-polar, with leucine, which is neutral and non-polar, at codon 433 of the HPS4 protein (p.Met433Leu). In summary, the available evidence is currently insufficient to determine the role of this variant in disease. Therefore, it has been classified as a Variant of Uncertain Significance. Algorithms developed to predict the effect of missense changes on protein structure and function (SIFT, PolyPhen-2, Align-GVGD) all suggest that this variant is likely to be tolerated. This variant has not been reported in the literature in individuals affected with HPS4-related conditions. This variant is not present in population databases (gnomAD no frequency).

NM_022081.6(HPS4):c.1297A>T (p.Met433Leu)

Gene: HPS4 (HPS4 biogenesis of lysosomal organelles complex 3 subunit 2; minus strand). Cytogenetic location: 22q12.1.
Variant type: single nucleotide variant.
Coding change: c.1297A>T on transcript NM_022081.6 (MANE Select); coding-DNA position 1297, A replaced by T.
Protein change: p.Met433Leu; replaces methionine 433 with leucine.
Molecular consequence: missense variant. On other transcripts: non-coding transcript variant (8).
Genome position (GRCh38, 1-based): chr22:26,464,333, T>A on the plus strand (A>T on the coding strand, the complement: HPS4 is on the minus strand). VCF-style: chr22-26464333-T-A. GRCh37 (hg19) VCF-style: chr22-26860299-T-A.
Other names: c.1297A>T, p.Met433Leu (NM_001349896.1, NM_001349898.2, NM_001349899.2 and 4 more transcripts); c.1351A>T, p.Met451Leu (NM_001349900.2, NM_001349901.1); c.1282A>T, p.Met428Leu (NM_152841.2); short protein forms M451L, M433L, M428L.
Identifiers: ClinVar variation 1378830 (VCV001378830.6), dbSNP rs2146549462, ClinGen allele CA411027381.